The following is an entry in ClinVar:

NM_001122769.3(LCA5):c.193C>G (p.Pro65Ala)

Gene: LCA5 (lebercilin LCA5; minus strand). Cytogenetic location: 6q14.1.
Variant type: single nucleotide variant.
Coding change: c.193C>G on transcript NM_001122769.3 (MANE Select); coding-DNA position 193, C replaced by G.
Protein change: p.Pro65Ala; replaces proline 65 with alanine.
Molecular consequence: missense variant.
Genome position (GRCh38, 1-based): chr6:79,513,739, G>C on the plus strand (C>G on the coding strand, the complement: LCA5 is on the minus strand). VCF-style: chr6-79513739-G-C. GRCh37 (hg19) VCF-style: chr6-80223456-G-C.
Other names: c.193C>G, p.Pro65Ala (NM_181714.4); short protein forms P65A.
Identifiers: ClinVar variation 1015024 (VCV001015024.8), dbSNP rs1766329719, ClinGen allele CA364630098.

ClinVar aggregate classification (germline): Uncertain significance (1 of 4 stars; one submission).

Submission:

Labcorp Genetics (formerly Invitae), Labcorp
Classification: Uncertain significance. Last evaluated: 2024-10-29. Review status: criteria provided, single submitter. Criteria: Invitae Variant Classification Sherloc (09022015). Collection method: clinical testing. Allele origin: germline.
Comment: This sequence change replaces proline, which is neutral and non-polar, with alanine, which is neutral and non-polar, at codon 65 of the LCA5 protein (p.Pro65Ala). This variant is not present in population databases (gnomAD no frequency). This variant has not been reported in the literature in individuals affected with LCA5-related conditions. ClinVar contains an entry for this variant (Variation ID: 1015024). An algorithm developed to predict the effect of missense changes on protein structure and function (PolyPhen-2) suggests that this variant is likely to be tolerated. In summary, the available evidence is currently insufficient to determine the role of this variant in disease. Therefore, it has been classified as a Variant of Uncertain Significance.